The following is an entry in ClinVar:

NM_022124.6(CDH23):c.5942T>A (p.Leu1981His)

Gene: CDH23 (cadherin related 23; plus strand). Cytogenetic location: 10q22.1.
Variant type: single nucleotide variant.
Coding change: c.5942T>A on transcript NM_022124.6 (MANE Select); coding-DNA position 5942, T replaced by A.
Protein change: p.Leu1981His; replaces leucine 1981 with histidine.
Molecular consequence: missense variant.
Genome position (GRCh38, 1-based): chr10:71,790,306, T>A. VCF-style: chr10-71790306-T-A. GRCh37 (hg19) VCF-style: chr10-73550063-T-A.
Other names: short protein forms L1981H.
Identifiers: ClinVar variation 844234 (VCV000844234.7), dbSNP rs1841212829, ClinGen allele CA377150464.

ClinVar aggregate classification (germline): Uncertain significance (1 of 4 stars; one submission).

Submission:

Labcorp Genetics (formerly Invitae), Labcorp
Classification: Uncertain significance. Last evaluated: 2022-07-19. Review status: criteria provided, single submitter. Criteria: Invitae Variant Classification Sherloc (09022015). Collection method: clinical testing. Allele origin: germline.
Comment: This sequence change replaces leucine, which is neutral and non-polar, with histidine, which is basic and polar, at codon 1981 of the CDH23 protein (p.Leu1981His). This variant is not present in population databases (gnomAD no frequency). This variant has not been reported in the literature in individuals affected with CDH23-related conditions. ClinVar contains an entry for this variant (Variation ID: 844234). Algorithms developed to predict the effect of missense changes on protein structure and function are either unavailable or do not agree on the potential impact of this missense change (SIFT: "Deleterious"; PolyPhen-2: "Not Available"; Align-GVGD: "Class C0"). In summary, the available evidence is currently insufficient to determine the role of this variant in disease. Therefore, it has been classified as a Variant of Uncertain Significance.